The following is an entry in ClinVar:

ClinVar aggregate classification (germline): Uncertain significance. Review status: criteria provided, multiple submitters, no conflicts (2 of 4 stars). 2 submissions from 2 submitters: Uncertain significance (2). Last evaluated 2023-04-18.

Conditions:
Congenital myasthenic syndrome 17. Identifiers: Orphanet 590, MedGen C4225377, MONDO:0014578, OMIM 616304.
Cenani-Lenz syndactyly syndrome. Also called: SYNDACTYLY, TYPE VII; CENANI SYNDACTYLISM. Identifiers: Orphanet 3258, MedGen C1859309, MONDO:0008931, OMIM 212780.
Sclerosteosis 2 (SOST2). Identifiers: Orphanet 3152, MedGen C3280402, MONDO:0013679, OMIM 614305.
Inborn genetic diseases. Identifiers: MedGen C0950123, MeSH D030342.

Allele frequency attached by ClinVar (database versions not stated): ExAC 0.00001; gnomAD exomes 0.00001; TOPMed 0.00001.
gnomAD v4.1: 14 of 1,614,206 alleles (0.00087%); highest among the groups gnomAD compares: East Asian, 0.0067%; no homozygotes.

Submissions (2):

Ambry Genetics
Classification: Uncertain significance for Inborn genetic diseases. Last evaluated: 2023-04-18. Review status: criteria provided, single submitter. Criteria: Ambry Variant Classification Scheme 2023. Collection method: clinical testing. Allele origin: germline.

Labcorp Genetics (formerly Invitae), Labcorp
Classification: Uncertain significance for Cenani-Lenz syndactyly syndrome; Sclerosteosis 2; Congenital myasthenic syndrome 17. Last evaluated: 2021-12-19. Review status: criteria provided, single submitter. Criteria: Invitae Variant Classification Sherloc (09022015). Collection method: clinical testing. Allele origin: germline.
Comment: In summary, the available evidence is currently insufficient to determine the role of this variant in disease. Therefore, it has been classified as a Variant of Uncertain Significance. Algorithms developed to predict the effect of missense changes on protein structure and function are either unavailable or do not agree on the potential impact of this missense change (SIFT: "Deleterious"; PolyPhen-2: "Benign"; Align-GVGD: "Class C25"). This variant has not been reported in the literature in individuals affected with LRP4-related conditions. This variant is present in population databases (rs776547887, gnomAD 0.02%). This sequence change replaces arginine, which is basic and polar, with histidine, which is basic and polar, at codon 997 of the LRP4 protein (p.Arg997His).

NM_002334.4(LRP4):c.2990G>A (p.Arg997His)

Gene: LRP4 (LDL receptor related protein 4; minus strand). Cytogenetic location: 11p11.2.
Variant type: single nucleotide variant.
Coding change: c.2990G>A on transcript NM_002334.4 (MANE Select); coding-DNA position 2990, G replaced by A.
Protein change: p.Arg997His; replaces arginine 997 with histidine.
Molecular consequence: missense variant.
Genome position (GRCh38, 1-based): chr11:46,879,140, C>T on the plus strand (G>A on the coding strand, the complement: LRP4 is on the minus strand). VCF-style: chr11-46879140-C-T. GRCh37 (hg19) VCF-style: chr11-46900691-C-T.
Other names: c.2990G>A (NM_002334.3); short protein forms R997H.
Identifiers: ClinVar variation 1989498 (VCV001989498.6), dbSNP rs776547887, ClinGen allele CA5969741.
Genomic context (GRCh38, chr11:46,879,140, plus strand): 5'-CATAGGAGGGCCACGGAGAAGCCAATGCGAGCCAAGGGCTGCTCACCTGGGGGCCGGCGG[C>T]GGTGGAAGACATGGATGTCCATTAGGTTTTCCAGGTTCTCCTGCAGAGTCTCCCGGTCCA-3'
Protein context (NP_002325.2, residues 987-1007): ENLMDIHVFH[Arg997His]RRPPVSTPCA